The following is an entry in ClinVar:

ClinVar aggregate classification (germline): Uncertain significance (1 of 4 stars; one submission).

Submission:

Labcorp Genetics (formerly Invitae), Labcorp
Classification: Uncertain significance. Last evaluated: 2025-02-04. Review status: criteria provided, single submitter. Criteria: Invitae Variant Classification Sherloc (09022015). Collection method: clinical testing. Allele origin: germline.
Comment: This sequence change affects codon 1660 of the POLE mRNA. It is a 'silent' change, meaning that it does not change the encoded amino acid sequence of the POLE protein. This variant is not present in population databases (gnomAD no frequency). This variant has not been reported in the literature in individuals affected with POLE-related conditions. Algorithms developed to predict the effect of sequence changes on RNA splicing suggest that this variant may create or strengthen a splice site. In summary, the available evidence is currently insufficient to determine the role of this variant in disease. Therefore, it has been classified as a Variant of Uncertain Significance.

NM_006231.4(POLE):c.4980A>T (p.Leu1660=)

Gene: POLE (DNA polymerase epsilon, catalytic subunit; minus strand). Cytogenetic location: 12q24.33.
Variant type: single nucleotide variant.
Coding change: c.4980A>T on transcript NM_006231.4 (MANE Select); coding-DNA position 4980, A replaced by T.
Protein change: p.Leu1660=; no amino-acid change (leucine 1660 retained).
Molecular consequence: synonymous variant.
Genome position (GRCh38, 1-based): chr12:132,642,370, T>A on the plus strand (A>T on the coding strand, the complement: POLE is on the minus strand). VCF-style: chr12-132642370-T-A. GRCh37 (hg19) VCF-style: chr12-133218956-T-A.
Identifiers: ClinVar variation 4712304 (VCV004712304.1).